The following is an entry in ClinVar:

ClinVar aggregate classification (germline): Likely benign. Review status: criteria provided, multiple submitters, no conflicts (2 of 4 stars). 3 submissions from 3 submitters: Likely benign (2). 1 of the submissions does not count toward it. Last evaluated 2025-12-22.

Conditions:
DNAAF5-related disorder. Also called: DNAAF5-related condition.
Primary ciliary dyskinesia. Also called: Ciliary dyskinesia. Identifiers: Orphanet 244, MedGen C0008780, MONDO:0016575, HP:0012265.

Allele frequency attached by ClinVar (database versions not stated): ESP Exome Variant Server 0.00008; TOPMed 0.00009; gnomAD 0.00017; ExAC 0.00033; 1000 Genomes Project 30x 0.00062; 1000 Genomes Project 0.00080.
gnomAD v4.1: 304 of 1,611,666 alleles (0.019%); highest among the groups gnomAD compares: South Asian, 0.19%; 3 homozygotes.

Submissions (3):

Labcorp Genetics (formerly Invitae), Labcorp
Classification: Likely benign for Primary ciliary dyskinesia. Last evaluated: 2025-12-22. Review status: criteria provided, single submitter. Criteria: Invitae Variant Classification Sherloc (09022015). Collection method: clinical testing. Allele origin: germline.

Blueprint Genetics
Classification: Likely benign. Last evaluated: 2024-11-27. Review status: criteria provided, single submitter. Criteria: ACMG Guidelines, 2015. Collection method: clinical testing. Allele origin: germline.

PreventionGenetics, part of Exact Sciences
Classification: Likely benign for DNAAF5-related condition. Last evaluated: 2019-04-09. Review status: no assertion criteria provided. Collection method: clinical testing. Allele origin: germline. Not counted in ClinVar's aggregate classification.
Comment: This variant is classified as likely benign based on ACMG/AMP sequence variant interpretation guidelines (Richards et al. 2015 PMID: 25741868, with internal and published modifications).

NM_017802.4(DNAAF5):c.1719G>A (p.Ser573=)

Gene: DNAAF5 (dynein axonemal assembly factor 5; plus strand). Cytogenetic location: 7p22.3.
Variant type: single nucleotide variant.
Coding change: c.1719G>A on transcript NM_017802.4 (MANE Select); coding-DNA position 1719, G replaced by A.
Protein change: p.Ser573=; no amino-acid change (serine 573 retained).
Molecular consequence: synonymous variant. On other transcripts: non-coding transcript variant (1).
Genome position (GRCh38, 1-based): chr7:763,910, G>A. VCF-style: chr7-763910-G-A. GRCh37 (hg19) VCF-style: chr7-803547-G-A.
Other names: c.1719G>A (NM_017802.3).
Identifiers: ClinVar variation 2714757 (VCV002714757.6), dbSNP rs374651851, ClinGen allele CA4110833.